The following is an entry in ClinVar:

NM_001961.4(EEF2):c.400+3A>G

Gene: EEF2 (eukaryotic translation elongation factor 2; minus strand). Cytogenetic location: 19p13.3.
Variant type: single nucleotide variant.
Coding change: c.400+3A>G on transcript NM_001961.4 (MANE Select); 3 bases into the intron after coding-DNA position 400, A replaced by G.
Molecular consequence: intron variant.
Genome position (GRCh38, 1-based): chr19:3,983,107, T>C on the plus strand (A>G on the coding strand, the complement: EEF2 is on the minus strand). VCF-style: chr19-3983107-T-C. GRCh37 (hg19) VCF-style: chr19-3983105-T-C.
Identifiers: ClinVar variation 4701426 (VCV004701426.1).

ClinVar aggregate classification (germline): Uncertain significance (1 of 4 stars; one submission).

gnomAD v4.1: 23 of 1,613,324 alleles (0.0014%); highest among the groups gnomAD compares: Admixed American, 0.005%; no homozygotes.

Submission:

Labcorp Genetics (formerly Invitae), Labcorp
Classification: Uncertain significance. Last evaluated: 2025-04-23. Review status: criteria provided, single submitter. Criteria: Invitae Variant Classification Sherloc (09022015). Collection method: clinical testing. Allele origin: germline.
Comment: This sequence change falls in intron 3 of the EEF2 gene. It does not directly change the encoded amino acid sequence of the EEF2 protein. It affects a nucleotide within the consensus splice site. This variant is present in population databases (no rsID available, gnomAD 0.003%). This variant has not been reported in the literature in individuals affected with EEF2-related conditions. Variants that disrupt the consensus splice site are a relatively common cause of aberrant splicing (PMID: 17576681, 9536098). Algorithms developed to predict the effect of sequence changes on RNA splicing suggest that this variant is not likely to affect RNA splicing. In summary, the available evidence is currently insufficient to determine the role of this variant in disease. Therefore, it has been classified as a Variant of Uncertain Significance.

Literature cited by the submitters: PubMed 17576681; PubMed 9536098.